The following is an entry in ClinVar:

ClinVar aggregate classification (germline): Uncertain significance (1 of 4 stars; one submission).

Submission:

Ambry Genetics
Classification: Uncertain significance. Last evaluated: 2023-03-29. Review status: criteria provided, single submitter. Criteria: Ambry Variant Classification Scheme 2023. Collection method: clinical testing. Allele origin: germline.
Comment: The c.2914C>A (p.Q972K) alteration is located in exon (coding exon ) of the PARG gene. This alteration results from a C to A substitution at nucleotide position 2914, causing the glutamine (Q) at amino acid position 972 to be replaced by a lysine (K). Based on insufficient or conflicting evidence, the clinical significance of this alteration remains unclear.

NM_003631.5(PARG):c.2914C>A (p.Gln972Lys)

Gene: PARG (poly(ADP-ribose) glycohydrolase; minus strand). Cytogenetic location: 10q11.23.
Variant type: single nucleotide variant.
Coding change: c.2914C>A on transcript NM_003631.5 (MANE Select); coding-DNA position 2914, C replaced by A.
Protein change: p.Gln972Lys; replaces glutamine 972 with lysine.
Molecular consequence: missense variant. On other transcripts: non-coding transcript variant (7).
Genome position (GRCh38, 1-based): chr10:49,819,357, G>T on the plus strand (C>A on the coding strand, the complement: PARG is on the minus strand). VCF-style: chr10-49819357-G-T. GRCh37 (hg19) VCF-style: chr10-51027403-G-T.
Other names: c.2668C>A, p.Gln890Lys (NM_001303486.3, NM_001324381.3); c.2590C>A, p.Gln864Lys (NM_001303487.3); c.1672C>A, p.Gln558Lys (NM_001303489.3); short protein forms Q972K, Q864K, Q890K, Q558K.
Identifiers: ClinVar variation 2531537 (VCV002531537.2), dbSNP rs1843951239, ClinGen allele CA376810948.
Genomic context (GRCh38, chr10:49,819,357, plus strand): 5'-GTCTCTGGTGGGAGGTGGGAGGAGATGCTATTCGCTCGGCTCCTCAGGTCCCTGTCCTTT[G>T]CCCTGAATGGTCAGCGGTCTCTGCACAGGACTCGACAGCATGGTATATGAATGGATAAAG-3'
Protein context (NP_003622.2, residues 962-976): SCAETADHSG[Gln972Lys]RTGT